The following is an entry in ClinVar:

ClinVar aggregate classification (germline): Uncertain significance (1 of 4 stars; one submission).

Conditions:
Familial thoracic aortic aneurysm and aortic dissection (TAAD). Also called: Thoracic aortic aneurysms and dissections. Identifiers: Orphanet 91387, MedGen C4707243, MONDO:0019625.

Submission:

Color Diagnostics, LLC DBA Color Health
Classification: Uncertain significance for Familial thoracic aortic aneurysm and aortic dissection. Last evaluated: 2024-03-06. Review status: criteria provided, single submitter. Criteria: ACMG Guidelines, 2015. Collection method: clinical testing. Allele origin: germline.
Comment: This missense variant replaces glutamic acid with aspartic acid at codon 2253 of the FBN1 protein. Computational prediction suggests that this variant may not impact protein structure and function (internally defined REVEL score threshold <= 0.5, PMID: 27666373). Splice site prediction tools suggest that this variant may not impact RNA splicing. To our knowledge, functional studies have not been performed for this variant. This variant has not been reported in individuals affected with cardiovascular disorders in the literature. This variant has not been identified in the general population by the Genome Aggregation Database (gnomAD). The available evidence is insufficient to determine the role of this variant in disease conclusively. Therefore, this variant is classified as a Variant of Uncertain Significance.

NM_000138.5(FBN1):c.6759G>C (p.Glu2253Asp)

Gene: FBN1 (fibrillin 1; minus strand). Cytogenetic location: 15q21.1.
Variant type: single nucleotide variant.
Coding change: c.6759G>C on transcript NM_000138.5 (MANE Select); coding-DNA position 6759, G replaced by C.
Protein change: p.Glu2253Asp; replaces glutamic acid 2253 with aspartic acid.
Molecular consequence: missense variant.
Genome position (GRCh38, 1-based): chr15:48,430,783, C>G on the plus strand (G>C on the coding strand, the complement: FBN1 is on the minus strand). VCF-style: chr15-48430783-C-G. GRCh37 (hg19) VCF-style: chr15-48722980-C-G.
Other names: short protein forms E2253D.
Identifiers: ClinVar variation 927108 (VCV000927108.4), dbSNP rs2043018030, ClinGen allele CA392332816.